The following is an entry in ClinVar:

NM_001110556.2(FLNA):c.2405-3C>A

Gene: FLNA (filamin A; minus strand). Cytogenetic location: Xq28.
Variant type: single nucleotide variant.
Coding change: c.2405-3C>A on transcript NM_001110556.2 (MANE Select); 3 bases into the intron before coding-DNA position 2405, C replaced by A.
Molecular consequence: intron variant.
Genome position (GRCh38, 1-based): chrX:154,362,581, G>T on the plus strand (C>A on the coding strand, the complement: FLNA is on the minus strand). VCF-style: chrX-154362581-G-T. GRCh37 (hg19) VCF-style: chrX-153590949-G-T.
Other names: c.2405-3C>A (NM_001456.4).
Identifiers: ClinVar variation 2941021 (VCV002941021.3), dbSNP rs2522749185, ClinGen allele CA2740090203.
Genomic context (GRCh38, chrX:154,362,581, plus strand): 5'-TCAGCTTCGGCGGGGCCTACCACTCCAGGGGCACACTTGATGCCGATGCTGACGTCCCCT[G>T]CGGCGGGGAGAGGAGCGGAGGCTGAGACCTCGCAGGGACACCCCAGCCACCTGCCCTCCC-3'

ClinVar aggregate classification (germline): Uncertain significance (1 of 4 stars; one submission).

Conditions:
Oto-palato-digital syndrome, type II (OPD2). Also called: FACIOPALATOOSSEOUS SYNDROME; OPD II SYNDROME; Otopalatodigital Syndrome, Type II; Otopalatodigital Syndrome Type 2 (FLNA-OPD2). Identifiers: Orphanet 669, Orphanet 90652, MedGen C1844696, MONDO:0010571, OMIM 304120.
Heterotopia, periventricular, X-linked dominant (PVNH1). Also called: PERIVENTRICULAR NODULAR HETEROTOPIA 1; X-linked periventricular heterotopia; PERIVENTRICULAR NODULAR HETEROTOPIA 4; HETEROTOPIA, PERIVENTRICULAR, 1. Identifiers: Orphanet 2149, Orphanet 82004, MedGen C1848213, MONDO:0010233, OMIM 300049.
Frontometaphyseal dysplasia (FMD1). Identifiers: Orphanet 1826, MedGen C0265293, MONDO:0015942.
Melnick-Needles syndrome (MNS). Also called: MELNICK-NEEDLES OSTEODYSPLASTY; OSTEODYSPLASTY OF MELNICK AND NEEDLES; Melnick-Needles Syndrome (FLNA-MNS). Identifiers: Orphanet 2484, MedGen C0025237, MONDO:0010650, OMIM 309350.

Submission:

Labcorp Genetics (formerly Invitae), Labcorp
Classification: Uncertain significance for Oto-palato-digital syndrome, type II; Heterotopia, periventricular, X-linked dominant; Frontometaphyseal dysplasia; Melnick-Needles syndrome. Last evaluated: 2022-10-27. Review status: criteria provided, single submitter. Criteria: Invitae Variant Classification Sherloc (09022015). Collection method: clinical testing. Allele origin: germline.
Comment: In summary, the available evidence is currently insufficient to determine the role of this variant in disease. Therefore, it has been classified as a Variant of Uncertain Significance. Variants that disrupt the consensus splice site are a relatively common cause of aberrant splicing (PMID: 17576681, 9536098). Algorithms developed to predict the effect of sequence changes on RNA splicing suggest that this variant may create or strengthen a splice site. This variant has not been reported in the literature in individuals affected with FLNA-related conditions. This variant is not present in population databases (gnomAD no frequency). This sequence change falls in intron 16 of the FLNA gene. It does not directly change the encoded amino acid sequence of the FLNA protein. It affects a nucleotide within the consensus splice site.

Literature cited by the submitters: PubMed 17576681; PubMed 9536098.